The following is an entry in ClinVar:

ClinVar aggregate classification (germline): Conflicting classifications of pathogenicity. Review status: criteria provided, conflicting classifications (1 of 4 stars). 3 submissions from 3 submitters: Uncertain significance (1); Likely benign (2). Last evaluated 2021-12-13.

Allele frequency attached by ClinVar (database versions not stated): gnomAD exomes 0.00007 and 0.00024; ExAC 0.00034; 1000 Genomes Project 0.00080; 1000 Genomes Project 30x 0.00094; gnomAD 0.00098 and 0.00101; ESP Exome Variant Server 0.00108; TOPMed 0.00112.
gnomAD v4.1: 250 of 1,614,110 alleles (0.015%); highest among the groups gnomAD compares: African/African-American, 0.32%; no homozygotes.

Submissions (3):

Revvity Omics, Revvity
Classification: Uncertain significance. Last evaluated: 2021-12-13. Review status: criteria provided, single submitter. Criteria: ACMG Guidelines, 2015. Collection method: clinical testing. Allele origin: germline.

GeneDx
Classification: Likely benign. Last evaluated: 2021-04-26. Review status: criteria provided, single submitter. Criteria: GeneDx Variant Classification Process June 2021. Collection method: clinical testing. Allele origin: germline. Affected: yes.
Comment: This variant is associated with the following publications: (PMID: 21642240)

Laboratory for Molecular Medicine, Mass General Brigham Personalized Medicine
Classification: Likely benign. Last evaluated: 2015-06-05. Review status: criteria provided, single submitter. Criteria: LMM Criteria. Collection method: clinical testing. Allele origin: germline. Observed: 2 variant alleles.
Comment: p.Asn81Lys in exon 1 of MURC: This variant is not expected to have clinical sign ificance because it has been identified in 0.4% (41/10342) of African chromosome s by the Exome Aggregation Consortium (ExAC; dbS NP rs149165620).

NM_001018116.2(CAVIN4):c.243T>G (p.Asn81Lys)

Gene: CAVIN4 (caveolae associated protein 4; plus strand). Cytogenetic location: 9q31.1.
Variant type: single nucleotide variant.
Coding change: c.243T>G on transcript NM_001018116.2 (MANE Select); coding-DNA position 243, T replaced by G.
Protein change: p.Asn81Lys; replaces asparagine 81 with lysine.
Molecular consequence: missense variant.
Genome position (GRCh38, 1-based): chr9:100,578,386, T>G. VCF-style: chr9-100578386-T-G. GRCh37 (hg19) VCF-style: chr9-103340668-T-G.
Other names: short protein forms N81K.
Identifiers: ClinVar variation 227557 (VCV000227557.7), dbSNP rs149165620, ClinGen allele CA5160015.